The following is an entry in ClinVar:

NM_001046.3(SLC12A2):c.949A>G (p.Ile317Val)

Gene: SLC12A2 (solute carrier family 12 member 2; plus strand). Cytogenetic location: 5q23.3.
Variant type: single nucleotide variant.
Coding change: c.949A>G on transcript NM_001046.3 (MANE Select); coding-DNA position 949, A replaced by G.
Protein change: p.Ile317Val; replaces isoleucine 317 with valine.
Molecular consequence: missense variant. On other transcripts: non-coding transcript variant (1).
Genome position (GRCh38, 1-based): chr5:128,114,284, A>G. VCF-style: chr5-128114284-A-G. GRCh37 (hg19) VCF-style: chr5-127449976-A-G.
Other names: NC_000005.9:g.127449976A>G; c.949A>G, p.Ile317Val (NM_001256461.2); short protein forms I317V.
Identifiers: ClinVar variation 2563641 (VCV002563641.4), dbSNP rs550964184, ClinGen allele CA3392939.
Genomic context (GRCh38, chr5:128,114,284, plus strand): 5'-TTAAACATTTGGGGTGTGATGCTTTTCATTAGATTGTCATGGATTGTGGGTCAAGCTGGA[A>G]TAGGTAAGTGAAGTTATATCCTGCTTGATTTGAGAATAAGCAAAATAACTGTGTCTGAGC-3'
Protein context (NP_001037.1, residues 307-327): RLSWIVGQAG[Ile317Val]GLSVLVIMMA

ClinVar aggregate classification (germline): Uncertain significance. Review status: criteria provided, multiple submitters, no conflicts (2 of 4 stars). 2 submissions from 2 submitters: Uncertain significance (2). Last evaluated 2025-11-17.

Conditions:
Inborn genetic diseases. Identifiers: MedGen C0950123, MeSH D030342.

Allele frequency attached by ClinVar (database versions not stated): gnomAD exomes 0.00001; gnomAD 0.00005; TOPMed 0.00006; ExAC 0.00007; 1000 Genomes Project 0.00040; 1000 Genomes Project 30x 0.00047.
gnomAD v4.1: 27 of 1,610,746 alleles (0.0017%); highest among the groups gnomAD compares: East Asian, 0.056%; no homozygotes.

Submissions (3):

Labcorp Genetics (formerly Invitae), Labcorp
Classification: Uncertain significance. Last evaluated: 2025-11-17. Review status: criteria provided, single submitter. Criteria: Invitae Variant Classification Sherloc (09022015). Collection method: clinical testing. Allele origin: germline.
Comment: This sequence change replaces isoleucine, which is neutral and non-polar, with valine, which is neutral and non-polar, at codon 317 of the SLC12A2 protein (p.Ile317Val). This variant is present in population databases (rs550964184, gnomAD 0.1%). This variant has not been reported in the literature in individuals affected with SLC12A2-related conditions. ClinVar contains an entry for this variant (Variation ID: 2563641). Invitae Evidence Modeling of protein sequence and biophysical properties (such as structural, functional, and spatial information, amino acid conservation, physicochemical variation, residue mobility, and thermodynamic stability) indicates that this missense variant is not expected to disrupt SLC12A2 protein function with a negative predictive value of 80%. In summary, the available evidence is currently insufficient to determine the role of this variant in disease. Therefore, it has been classified as a Variant of Uncertain Significance.

Ambry Genetics
Classification: Uncertain significance for Inborn genetic diseases. Last evaluated: 2023-04-18. Review status: criteria provided, single submitter. Criteria: Ambry Variant Classification Scheme 2023. Collection method: clinical testing. Allele origin: germline.

Dr. Peter K. Rogan Lab, Western University
No classification provided (evidence only). Condition: Malignant tumor of esophagus. Review status: no classification provided. Collection method: in vitro. Allele origin: not applicable. Functional consequence: retained intron. Not counted in ClinVar's aggregate classification.